The following is an entry in ClinVar:

ClinVar aggregate classification (germline): Uncertain significance. Review status: criteria provided, multiple submitters, no conflicts (2 of 4 stars). 2 submissions from 2 submitters: Uncertain significance (2). Last evaluated 2024-06-05.

Conditions:
Epileptic encephalopathy. Identifiers: MedGen C0543888, HP:0200134.

Allele frequency attached by ClinVar (database versions not stated): ExAC 0.00001; gnomAD 0.00002 and 0.00003; gnomAD exomes 0.00002 and 0.00004; TOPMed 0.00003; ESP Exome Variant Server 0.00008.
gnomAD v4.1: 54 of 1,612,206 alleles (0.0033%); highest among the groups gnomAD compares: African/African-American, 0.0067%; no homozygotes.

Submissions (2):

Ambry Genetics
Classification: Uncertain significance. Last evaluated: 2024-06-05. Review status: criteria provided, single submitter. Criteria: Ambry Variant Classification Scheme 2023. Collection method: clinical testing. Allele origin: germline.

Labcorp Genetics (formerly Invitae), Labcorp
Classification: Uncertain significance for Epileptic encephalopathy. Last evaluated: 2022-03-22. Review status: criteria provided, single submitter. Criteria: Invitae Variant Classification Sherloc (09022015). Collection method: clinical testing. Allele origin: germline.
Comment: This variant is present in population databases (rs373840426, gnomAD 0.004%). In summary, the available evidence is currently insufficient to determine the role of this variant in disease. Therefore, it has been classified as a Variant of Uncertain Significance. Algorithms developed to predict the effect of missense changes on protein structure and function output the following: SIFT: "Tolerated"; PolyPhen-2: "Benign"; Align-GVGD: "Class C0". The leucine amino acid residue is found in multiple mammalian species, which suggests that this missense change does not adversely affect protein function. This variant has not been reported in the literature in individuals affected with FASN-related conditions. This sequence change replaces serine, which is neutral and polar, with leucine, which is neutral and non-polar, at codon 1017 of the FASN protein (p.Ser1017Leu).

NM_004104.5(FASN):c.3050C>T (p.Ser1017Leu)

Gene: FASN (fatty acid synthase; minus strand). Cytogenetic location: 17q25.3.
Variant type: single nucleotide variant.
Coding change: c.3050C>T on transcript NM_004104.5 (MANE Select); coding-DNA position 3050, C replaced by T.
Protein change: p.Ser1017Leu; replaces serine 1017 with leucine.
Molecular consequence: missense variant.
Genome position (GRCh38, 1-based): chr17:82,087,498, G>A on the plus strand (C>T on the coding strand, the complement: FASN is on the minus strand). VCF-style: chr17-82087498-G-A. GRCh37 (hg19) VCF-style: chr17-80045374-G-A.
Other names: c.3050C>T (NM_004104.4); short protein forms S1017L.
Identifiers: ClinVar variation 1400606 (VCV001400606.8), dbSNP rs373840426, ClinGen allele CA8852512.